The following is an entry in ClinVar:

ClinVar aggregate classification (germline): Uncertain significance (1 of 4 stars; one submission).

Allele frequency attached by ClinVar (database versions not stated): gnomAD exomes below 0.00001.
gnomAD v4.1: 1 of 1,613,982 alleles (0.000062%); highest among the groups gnomAD compares: Non-Finnish European, 0.000085%; no homozygotes.

Submission:

Labcorp Genetics (formerly Invitae), Labcorp
Classification: Uncertain significance. Last evaluated: 2023-12-18. Review status: criteria provided, single submitter. Criteria: Invitae Variant Classification Sherloc (09022015). Collection method: clinical testing. Allele origin: germline.
Comment: This sequence change replaces glutamine, which is neutral and polar, with glutamic acid, which is acidic and polar, at codon 413 of the TOPORS protein (p.Gln413Glu). This variant is not present in population databases (gnomAD no frequency). This variant has not been reported in the literature in individuals affected with TOPORS-related conditions. An algorithm developed to predict the effect of missense changes on protein structure and function (PolyPhen-2) suggests that this variant is likely to be tolerated. In summary, the available evidence is currently insufficient to determine the role of this variant in disease. Therefore, it has been classified as a Variant of Uncertain Significance.

NM_005802.5(TOPORS):c.1237C>G (p.Gln413Glu)

Gene: TOPORS (TOP1 binding arginine/serine rich protein, E3 ubiquitin ligase; minus strand). Cytogenetic location: 9p21.1.
Variant type: single nucleotide variant.
Coding change: c.1237C>G on transcript NM_005802.5 (MANE Select); coding-DNA position 1237, C replaced by G.
Protein change: p.Gln413Glu; replaces glutamine 413 with glutamic acid.
Molecular consequence: missense variant.
Genome position (GRCh38, 1-based): chr9:32,543,288, G>C on the plus strand (C>G on the coding strand, the complement: TOPORS is on the minus strand). VCF-style: chr9-32543288-G-C. GRCh37 (hg19) VCF-style: chr9-32543286-G-C.
Other names: c.1042C>G, p.Gln348Glu (NM_001195622.2); short protein forms Q348E, Q413E.
Identifiers: ClinVar variation 2703963 (VCV002703963.3), dbSNP rs2489452012, ClinGen allele CA373170874.
Genomic context (GRCh38, chr9:32,543,288, plus strand): 5'-CGTGTACCTGCTCTGAGCTTGAGTAAGATGGTCCTGGAGTTTCATCATCCCATGGTGCCT[G>C]ACTAACAGTGGCTACATTAATATCCAGCTCTTGGGTCTCAGCCTCATCTGGAGATATTGT-3'
Protein context (NP_005793.2, residues 403-423): ELDINVATVS[Gln413Glu]APWDDETPGP